The following is an entry in ClinVar:

ClinVar aggregate classification (germline): Likely benign. Review status: criteria provided, multiple submitters, no conflicts (2 of 4 stars). 2 submissions from 2 submitters: Likely benign (2). Last evaluated 2024-04-11.

Allele frequency attached by ClinVar (database versions not stated): gnomAD 0.00005; TOPMed 0.00005; ExAC 0.00006; ESP Exome Variant Server 0.00023.
gnomAD v4.1: 262 of 1,603,902 alleles (0.016%); highest among the groups gnomAD compares: Non-Finnish European, 0.021%; no homozygotes.

Submissions (2):

Labcorp Genetics (formerly Invitae), Labcorp
Classification: Likely benign. Last evaluated: 2024-04-11. Review status: criteria provided, single submitter. Criteria: Invitae Variant Classification Sherloc (09022015). Collection method: clinical testing. Allele origin: germline.

Women's Health and Genetics/Laboratory Corporation of America, LabCorp
Classification: Likely benign. Last evaluated: 2023-12-01. Review status: criteria provided, single submitter. Criteria: LabCorp Variant Classification Summary - May 2015. Collection method: clinical testing. Allele origin: germline.
Comment: Variant summary: IGF1R c.2956+11G>A alters a non-conserved nucleotide located at a position not widely known to affect splicing. Consensus agreement among computation tools predict no significant impact on normal splicing. However, these predictions have yet to be confirmed by functional studies. The variant allele was found at a frequency of 4.7e-05 in 275754 control chromosomes. To our knowledge, no occurrence of c.2956+11G>A in individuals affected with Growth Delay Due To Insulin-Like Growth Factor I Resistance and no experimental evidence demonstrating its impact on protein function have been reported. One submitter has cited clinical-significance assessments for this variant to ClinVar after 2014 and has classified the variant as likely benign. Based on the evidence outlined above, the variant was classified as likely benign.

NM_000875.5(IGF1R):c.2956+11G>A

Gene: IGF1R (insulin like growth factor 1 receptor; plus strand). Cytogenetic location: 15q26.3.
Variant type: single nucleotide variant.
Coding change: c.2956+11G>A on transcript NM_000875.5 (MANE Select); 11 bases into the intron after coding-DNA position 2956, G replaced by A.
Molecular consequence: intron variant.
Genome position (GRCh38, 1-based): chr15:98,930,316, G>A. VCF-style: chr15-98930316-G-A. GRCh37 (hg19) VCF-style: chr15-99473545-G-A.
Other names: c.2953+11G>A (NM_001291858.2).
Identifiers: ClinVar variation 1900127 (VCV001900127.6), dbSNP rs374579565, ClinGen allele CA7752571.